The following is an entry in ClinVar:

ClinVar aggregate classification (germline): Pathogenic. Review status: criteria provided, multiple submitters, no conflicts (2 of 4 stars). 2 submissions from 2 submitters: Pathogenic (2). Last evaluated 2021-03-23.

Conditions:
Familial thoracic aortic aneurysm and aortic dissection (TAAD). Also called: Thoracic aortic aneurysms and dissections. Identifiers: Orphanet 91387, MedGen C4707243, MONDO:0019625.

Submissions (2):

Labcorp Genetics (formerly Invitae), Labcorp
Classification: Pathogenic for Familial thoracic aortic aneurysm and aortic dissection. Last evaluated: 2021-03-23. Review status: criteria provided, single submitter. Criteria: Invitae Variant Classification Sherloc (09022015). Collection method: clinical testing. Allele origin: germline.
Comment: For these reasons, this variant has been classified as Pathogenic. Loss-of-function variants in SMAD3 are known to be pathogenic (PMID: 21778426, 24804794). This variant has not been reported in the literature in individuals with SMAD3-related disease. This variant is not present in population databases (ExAC no frequency). This sequence change creates a premature translational stop signal (p.Leu83Alafs*28) in the SMAD3 gene. It is expected to result in an absent or disrupted protein product.

Ambry Genetics
Classification: Pathogenic for Familial thoracic aortic aneurysm and aortic dissection. Last evaluated: 2020-12-23. Review status: criteria provided, single submitter. Criteria: Ambry Variant Classification Scheme 2023. Collection method: clinical testing. Allele origin: germline.
Comment: The c.246dupG pathogenic mutation, located in coding exon 2 of the SMAD3 gene, results from a duplication of G at nucleotide position 246, causing a translational frameshift with a predicted alternate stop codon (p.L83Afs*28). This alteration is expected to result in loss of function by premature protein truncation or nonsense-mediated mRNA decay. As such, this alteration is interpreted as a disease-causing mutation.

Literature cited by the submitters: PubMed 21778426 (cited by Labcorp Genetics (formerly Invitae), Labcorp); PubMed 24804794 (cited by Labcorp Genetics (formerly Invitae), Labcorp).

NM_005902.4(SMAD3):c.246dup (p.Leu83fs)

Gene: SMAD3 (SMAD family member 3; plus strand). Cytogenetic location: 15q22.33.
Variant type: Duplication.
Coding change: c.246dup on transcript NM_005902.4 (MANE Select); coding-DNA position 246, one base duplicated (G; older notation c.246dupG).
Protein change: p.Leu83fs; shifts the reading frame from leucine 83.
Molecular consequence: frameshift variant. On other transcripts: 5 prime UTR variant (1).
Genome position (GRCh38, 1-based): chr15:67,164,934, G duplicated; the last of 4 consecutive G bases (chr15:67,164,931-67,164,934); duplicating any one gives the same sequence. VCF-style (leftmost placement, unchanged base first): chr15-67164930-A-AG. GRCh37 (hg19) VCF-style: chr15-67457268-A-AG.
Other names: c.-70dup (NM_001145102.2); c.114dup, p.Leu39fs (NM_001145103.2); c.246dupG (NM_005902.3); short protein forms L39fs, L83fs.
Identifiers: ClinVar variation 477571 (VCV000477571.8), dbSNP rs1555412069, ClinGen allele CA658656499.
Genomic context (GRCh38, chr15:67,164,930, plus strand): 5'-TTTCTGCCCCTCCCCGTCCTGGCAGGTCCCTGGATGGCCGGTTGCAGGTGTCCCATCGGA[A>AG]GGGGCTCCCTCATGTCATCTACTGCCGCCTGTGGCGATGGCCAGACCTGCACAGCCACCA-3'